The following is an entry in ClinVar:

NM_000334.4(SCN4A):c.5277C>T (p.Asp1759=)

Genes: GH-LCR (growth hormone locus control region; plus strand), SCN4A (sodium voltage-gated channel alpha subunit 4; minus strand). Cytogenetic location: 17q23.3.
Variant type: single nucleotide variant.
Coding change: c.5277C>T on transcript NM_000334.4 (MANE Select); coding-DNA position 5277, C replaced by T.
Protein change: p.Asp1759=; no amino-acid change (aspartic acid 1759 retained).
Molecular consequence: synonymous variant.
Genome position (GRCh38, 1-based): chr17:63,941,005, G>A on the plus strand (C>T on the coding strand, the complement: SCN4A is on the minus strand). VCF-style: chr17-63941005-G-A. GRCh37 (hg19) VCF-style: chr17-62018365-G-A.
Identifiers: ClinVar variation 386963 (VCV000386963.1), dbSNP rs548333586, ClinGen allele CA8708793.

ClinVar aggregate classification (germline): Likely benign (1 of 4 stars; one submission).

Allele frequency attached by ClinVar (database versions not stated): TOPMed 0.00001 and 0.00002.
gnomAD v4.1: 5 of 1,613,606 alleles (0.00031%); highest among the groups gnomAD compares: Admixed American, 0.0033%; no homozygotes.

Submission:

GeneDx
Classification: Likely benign. Last evaluated: 2016-07-06. Review status: criteria provided, single submitter. Criteria: GeneDx Variant Classification (06012015). Collection method: clinical testing. Allele origin: germline. Affected: yes.
Comment: This variant is considered likely benign or benign based on one or more of the following criteria: it is a conservative change, it occurs at a poorly conserved position in the protein, it is predicted to be benign by multiple in silico algorithms, and/or has population frequency not consistent with disease.